The following is an entry in ClinVar:

NM_024408.4(NOTCH2):c.3926C>G (p.Pro1309Arg)

Gene: NOTCH2 (notch receptor 2; minus strand). Cytogenetic location: 1p12.
Variant type: single nucleotide variant.
Coding change: c.3926C>G on transcript NM_024408.4 (MANE Select); coding-DNA position 3926, C replaced by G.
Protein change: p.Pro1309Arg; replaces proline 1309 with arginine.
Molecular consequence: missense variant.
Genome position (GRCh38, 1-based): chr1:119,926,578, G>C on the plus strand (C>G on the coding strand, the complement: NOTCH2 is on the minus strand). VCF-style: chr1-119926578-G-C. GRCh37 (hg19) VCF-style: chr1-120469201-G-C.
Other names: short protein forms P1309R.
Identifiers: ClinVar variation 5019194 (VCV005019194.2).

ClinVar aggregate classification (germline): Uncertain significance (1 of 4 stars; one submission).

Conditions:
Alagille syndrome due to a NOTCH2 point mutation. Also called: Alagille syndrome 2. Identifiers: Orphanet 261629, Orphanet 52, MedGen C1857761, MONDO:0012439, OMIM 610205.
Hajdu-Cheney syndrome (HJCYS). Also called: SERPENTINE FIBULA-POLYCYSTIC KIDNEY SYNDROME; ACROOSTEOLYSIS WITH OSTEOPOROSIS AND CHANGES IN SKULL AND MANDIBLE; Acroosteolysis dominant type. Identifiers: Orphanet 955, MedGen C0917715, MONDO:0007057, OMIM 102500.

Submission:

Juno Genomics, Hangzhou Juno Genomics, Inc
Classification: Uncertain significance for Alagille syndrome due to a NOTCH2 point mutation; Hajdu-Cheney syndrome. Review status: criteria provided, single submitter. Criteria: ACMG Guidelines, 2015. Collection method: clinical testing. Allele origin: germline.
Comment: Absent from controls (or at extremely low frequency if recessive) in Genome Aggregation Database.;Missense variant in a gene that has a low rate of benign missense variation.